The following is an entry in ClinVar:

ClinVar aggregate classification (germline): Uncertain significance (1 of 4 stars; one submission).

Submission:

GeneDx
Classification: Uncertain significance. Last evaluated: 2019-10-10. Review status: criteria provided, single submitter. Criteria: GeneDx Variant Classification Process June 2021. Collection method: clinical testing. Allele origin: germline. Affected: yes.
Comment: Not observed in large population cohorts (Lek et al., 2016); In silico analysis, which includes protein predictors and evolutionary conservation, supports a deleterious effect; Has not been previously published as pathogenic or benign to our knowledge

NM_006218.4(PIK3CA):c.1955T>C (p.Phe652Ser)

Gene: PIK3CA (phosphatidylinositol-4,5-bisphosphate 3-kinase catalytic subunit alpha; plus strand). Cytogenetic location: 3q26.32.
Variant type: single nucleotide variant.
Coding change: c.1955T>C on transcript NM_006218.4 (MANE Select); coding-DNA position 1955, T replaced by C.
Protein change: p.Phe652Ser; replaces phenylalanine 652 with serine.
Molecular consequence: missense variant.
Genome position (GRCh38, 1-based): chr3:179,219,992, T>C. VCF-style: chr3-179219992-T-C. GRCh37 (hg19) VCF-style: chr3-178937780-T-C.
Other names: short protein forms F652S.
Identifiers: ClinVar variation 1308804 (VCV001308804.2), dbSNP rs2108411972, ClinGen allele CA355267225.